The following is an entry in ClinVar:

ClinVar aggregate classification (germline): Likely benign. Review status: criteria provided, multiple submitters, no conflicts (2 of 4 stars). 4 submissions from 4 submitters: Likely benign (3). 1 of the submissions does not count toward it. Last evaluated 2026-02-02.

Conditions:
Pontocerebellar hypoplasia type 1B. Also called: EXOSC3 Pontocerebellar Hypoplasia. Identifiers: Orphanet 2254, MedGen C3553449, MONDO:0013853, OMIM 614678.
EXOSC3-related disorder. Also called: EXOSC3-related condition.

Allele frequency attached by ClinVar (database versions not stated): ExAC 0.00013; ESP Exome Variant Server 0.00039; gnomAD 0.00056 and 0.00061; 1000 Genomes Project 0.00060; 1000 Genomes Project 30x 0.00078; TOPMed 0.00079.

Submissions (4):

Labcorp Genetics (formerly Invitae), Labcorp
Classification: Likely benign for Pontocerebellar hypoplasia type 1B. Last evaluated: 2026-02-02. Review status: criteria provided, single submitter. Criteria: Invitae Variant Classification Sherloc (09022015). Collection method: clinical testing. Allele origin: germline.

GeneDx
Classification: Likely benign. Last evaluated: 2021-06-07. Review status: criteria provided, single submitter. Criteria: GeneDx Variant Classification Process June 2021. Collection method: clinical testing. Allele origin: germline. Affected: yes.

Breakthrough Genomics
Classification: Likely benign. Review status: criteria provided, single submitter. Criteria: ACMG Guidelines, 2015. Collection method: not provided. Allele origin: germline. Inheritance: Autosomal recessive inheritance. Affected: yes.

PreventionGenetics, part of Exact Sciences
Classification: Likely benign for EXOSC3-related condition. Last evaluated: 2020-02-18. Review status: no assertion criteria provided. Collection method: clinical testing. Allele origin: germline. Not counted in ClinVar's aggregate classification.
Comment: This variant is classified as likely benign based on ACMG/AMP sequence variant interpretation guidelines (Richards et al. 2015 PMID: 25741868, with internal and published modifications).

NM_016042.4(EXOSC3):c.219C>A (p.Arg73=)

Gene: EXOSC3 (exosome component 3; minus strand). Cytogenetic location: 9p13.2.
Variant type: single nucleotide variant.
Coding change: c.219C>A on transcript NM_016042.4 (MANE Select); coding-DNA position 219, C replaced by A.
Protein change: p.Arg73=; no amino-acid change (arginine 73 retained).
Molecular consequence: synonymous variant.
Genome position (GRCh38, 1-based): chr9:37,784,826, G>T on the plus strand (C>A on the coding strand, the complement: EXOSC3 is on the minus strand). VCF-style: chr9-37784826-G-T. GRCh37 (hg19) VCF-style: chr9-37784823-G-T.
Other names: c.219C>A, p.Arg73= (NM_001002269.2).
Identifiers: ClinVar variation 510036 (VCV000510036.55), dbSNP rs149583035, ClinGen allele CA5062827.
Genomic context (GRCh38, chr9:37,784,826, plus strand): 5'-ACTGCCGGGCTCCTTGTGACGGAGGCGGCCGCACTTGGTGACCAGCAGGCGGTCCCCACA[G>T]CGCCGAAGGCCCGGACCGCATACAACGCGCACCCGCGAGCACGCTCTAGCATTCAGGCTC-3'
Protein context (NP_057126.2, residues 63-83): VRVVCGPGLR[Arg73=]CGDRLLVTKC